The following is an entry in ClinVar:

ClinVar aggregate classification (germline): Uncertain significance (1 of 4 stars; one submission).

Conditions:
Adenylosuccinate lyase deficiency (ADSLD). Also called: ADSL DEFICIENCY. Identifiers: Orphanet 46, MedGen C0268126, MONDO:0007068, OMIM 103050.

Allele frequency attached by ClinVar (database versions not stated): gnomAD 0.00001; 1000 Genomes Project 30x 0.00016.

Submission:

Labcorp Genetics (formerly Invitae), Labcorp
Classification: Uncertain significance for Adenylosuccinate lyase deficiency. Last evaluated: 2021-08-24. Review status: criteria provided, single submitter. Criteria: Invitae Variant Classification Sherloc (09022015). Collection method: clinical testing. Allele origin: germline.
Comment: This variant occurs in a non-coding region of the ADSL gene. It does not change the encoded amino acid sequence of the ADSL protein. The frequency data for this variant in the population databases is considered unreliable, as metrics indicate insufficient coverage at this position in the ExAC database. This variant has not been reported in the literature in individuals affected with ADSL-related conditions. Experimental studies and prediction algorithms are not available or were not evaluated, and the functional significance of this variant is currently unknown. In summary, the available evidence is currently insufficient to determine the role of this variant in disease. Therefore, it has been classified as a Variant of Uncertain Significance.

NC_000022.11:g.40346289A>G

Gene: ADSL (adenylosuccinate lyase; plus strand). Cytogenetic location: 22q13.1.
Variant type: single nucleotide variant.
Genome position: GRCh38 VCF-style: chr22-40346289-A-G. GRCh37 (hg19) VCF-style: chr22-40742293-A-G.
Identifiers: ClinVar variation 1412859 (VCV001412859.5), dbSNP rs1601541349, ClinGen allele CA2405715752.